The following is an entry in ClinVar:

NM_000642.3(AGL):c.4162-11G>A

Gene: AGL (amylo-alpha-1,6-glucosidase and 4-alpha-glucanotransferase; plus strand). Cytogenetic location: 1p21.2.
Variant type: single nucleotide variant.
Coding change: c.4162-11G>A on transcript NM_000642.3 (MANE Select); 11 bases into the intron before coding-DNA position 4162, G replaced by A.
Molecular consequence: intron variant.
Genome position (GRCh38, 1-based): chr1:99,915,378, G>A. VCF-style: chr1-99915378-G-A. GRCh37 (hg19) VCF-style: chr1-100380934-G-A.
Other names: c.4162-11G>A (NM_000643.3, NM_000644.3, NM_001425325.1 and 1 more transcripts); c.4114-11G>A (NM_000646.3); c.4141-11G>A (NM_001425326.1); c.3961-11G>A (NM_001425327.1); c.3958-11G>A (NM_001425328.1); c.3823-11G>A (NM_001425329.1); c.3784-11G>A (NM_001425332.1).
Identifiers: ClinVar variation 291345 (VCV000291345.20), dbSNP rs184309460, ClinGen allele CA967335.

ClinVar aggregate classification (germline): Benign. Review status: criteria provided, multiple submitters, no conflicts (2 of 4 stars). 6 submissions from 6 submitters: Benign (5). 1 of the submissions does not count toward it. Last evaluated 2026-02-01.

Conditions:
Glycogen storage disease type III (GSD3). Also called: FORBES DISEASE; Cori disease. Identifiers: Orphanet 366, MedGen C0017922, MONDO:0009291, OMIM 232400.

Allele frequency attached by ClinVar (database versions not stated): ESP Exome Variant Server 0.00023; TOPMed 0.00029; ExAC 0.00301; 1000 Genomes Project 30x 0.00422; 1000 Genomes Project 0.00479.
gnomAD v4.1: 2,165 of 1,604,812 alleles (0.13%); highest among the groups gnomAD compares: South Asian, 2%; 35 homozygotes.

Submissions (6):

Labcorp Genetics (formerly Invitae), Labcorp
Classification: Benign for Glycogen storage disease type III. Last evaluated: 2026-02-01. Review status: criteria provided, single submitter. Criteria: Invitae Variant Classification Sherloc (09022015). Collection method: clinical testing. Allele origin: germline.

Genome-Nilou Lab
Classification: Benign for Glycogen storage disease type III. Last evaluated: 2021-07-15. Review status: criteria provided, single submitter. Criteria: ACMG Guidelines, 2015. Collection method: clinical testing. Allele origin: germline. Affected: no.

Illumina Laboratory Services, Illumina
Classification: Benign for Glycogen storage disease type III. Last evaluated: 2018-01-13. Review status: criteria provided, single submitter. Criteria: ICSL Variant Classification Criteria 13 December 2019. Collection method: clinical testing. Allele origin: germline.
Comment: This variant was observed in the ICSL laboratory as part of a predisposition screen in an ostensibly healthy population. It had not been previously curated by ICSL or reported in the Human Gene Mutation Database (HGMD: prior to June 1st, 2018), and was therefore a candidate for classification through an automated scoring system. Utilizing variant allele frequency, disease prevalence and penetrance estimates, and inheritance mode, an automated score was calculated to assess if this variant is too frequent to cause the disease. Based on the score and internal cut-off values, a variant classified as benign is not then subjected to further curation. The score for this variant resulted in a classification of benign for this disease.

GeneDx
Classification: Benign. Last evaluated: 2016-11-01. Review status: criteria provided, single submitter. Criteria: GeneDx Variant Classification (06012015). Collection method: clinical testing. Allele origin: germline. Affected: yes.
Comment: This variant is considered likely benign or benign based on one or more of the following criteria: it is a conservative change, it occurs at a poorly conserved position in the protein, it is predicted to be benign by multiple in silico algorithms, and/or has population frequency not consistent with disease.

Breakthrough Genomics
Classification: Benign. Review status: criteria provided, single submitter. Criteria: ACMG Guidelines, 2015. Collection method: not provided. Allele origin: germline. Inheritance: Autosomal recessive inheritance. Affected: yes.

Mayo Clinic Laboratories, Mayo Clinic
Classification: Likely benign. Last evaluated: 2018-01-09. Review status: no assertion criteria provided. Collection method: clinical testing. Allele origin: unknown. Not counted in ClinVar's aggregate classification.